The following is an entry in ClinVar:

ClinVar aggregate classification (germline): Conflicting classifications of pathogenicity. Review status: criteria provided, conflicting classifications (1 of 4 stars). 3 submissions from 3 submitters: Uncertain significance (2); Benign (1). Last evaluated 2023-02-10.

Conditions:
Heterotopia, periventricular, X-linked dominant (PVNH1). Also called: PERIVENTRICULAR NODULAR HETEROTOPIA 4; HETEROTOPIA, PERIVENTRICULAR, 1; PERIVENTRICULAR NODULAR HETEROTOPIA 1; X-linked periventricular heterotopia. Identifiers: Orphanet 2149, Orphanet 82004, MedGen C1848213, MONDO:0010233, OMIM 300049.
Melnick-Needles syndrome (MNS). Also called: Melnick-Needles Syndrome (FLNA-MNS); MELNICK-NEEDLES OSTEODYSPLASTY; OSTEODYSPLASTY OF MELNICK AND NEEDLES. Identifiers: Orphanet 2484, MedGen C0025237, MONDO:0010650, OMIM 309350.
Frontometaphyseal dysplasia (FMD1). Identifiers: Orphanet 1826, MedGen C0265293, MONDO:0015942.
Oto-palato-digital syndrome, type II (OPD2). Also called: Otopalatodigital Syndrome Type 2 (FLNA-OPD2); Otopalatodigital Syndrome, Type II; FACIOPALATOOSSEOUS SYNDROME; OPD II SYNDROME. Identifiers: Orphanet 669, Orphanet 90652, MedGen C1844696, MONDO:0010571, OMIM 304120.
Intestinal pseudoobstruction, neuronal, chronic idiopathic, X-linked (CIIPX). Also called: CONGENITAL IDIOPATHIC INTESTINAL PSEUDOOBSTRUCTION; FLNA-Related Periventricular Nodular Heterotopia (FLNA-Related PVNH; Huttenlocher Syndrome); INTESTINAL PSEUDOOBSTRUCTION, NEURONAL, CHRONIC IDIOPATHIC, WITH CENTRAL NERVOUS SYSTEM INVOLVEMENT. Identifiers: Orphanet 2301, MedGen C2746068, MONDO:0010232, OMIM 300048.
Oto-palato-digital syndrome, type I (OPD1). Also called: Otopalatodigital Syndrome Type 1 (FLNA-OPD1); Otopalatodigital Syndrome, Type I; OPD I SYNDROME; OPD SYNDROME 1; Taybi syndrome. Identifiers: Orphanet 669, Orphanet 90650, MedGen C0265251, MONDO:0010704, OMIM 311300.
Cardiac valvular dysplasia, X-linked (CVDPX). Also called: FLNA-Related X-linked Cardiac Valvular Dysplasia; MYXOMATOUS VALVULAR DYSTROPHY, X-LINKED; VALVULAR HEART DISEASE, CONGENITAL; Congenital valvular dysplasia; Isolated X-Linked Cardiac Valvular Dysplasia. Identifiers: Orphanet 1864, Orphanet 555877, Orphanet 75497, MedGen C0262436, MONDO:0010753, OMIM 314400.
Terminal osseous dysplasia-pigmentary defects syndrome. Also called: ODPD; TERMINAL OSSEOUS DYSPLASIA AND PIGMENTARY DEFECTS; Terminal Osseous Dysplasia (FLNA-TOD); ODPF SYNDROME; OSSEOUS DYSPLASIA, DIGITAL, WITH FACIAL PIGMENTARY DEFECTS AND MULTIPLE FRENULA. Identifiers: Orphanet 88630, MedGen C1846129, MONDO:0010279, OMIM 300244.
FG syndrome 2 (FGS2). Identifiers: MedGen C1845902, MONDO:0010297, OMIM 300321.
Frontometaphyseal dysplasia 1 (FMD1). Also called: Frontometaphyseal Dysplasia (FLNA-FMD). Identifiers: Orphanet 1826, MedGen C4281559, MONDO:0024550, OMIM 305620.
Familial thoracic aortic aneurysm and aortic dissection (TAAD). Also called: Thoracic aortic aneurysms and dissections. Identifiers: Orphanet 91387, MedGen C4707243, MONDO:0019625.

Allele frequency attached by ClinVar (database versions not stated): gnomAD exomes 0.00003; TOPMed 0.00003; 1000 Genomes Project 30x 0.00021; 1000 Genomes Project 0.00026.
gnomAD v4.1: 23 of 1,210,623 alleles (0.0019%); highest among the groups gnomAD compares: Admixed American, 0.02%; no homozygotes.

Submissions (3):

Labcorp Genetics (formerly Invitae), Labcorp
Classification: Benign for Oto-palato-digital syndrome, type II; Heterotopia, periventricular, X-linked dominant; Frontometaphyseal dysplasia; Melnick-Needles syndrome. Last evaluated: 2023-02-10. Review status: criteria provided, single submitter. Criteria: Invitae Variant Classification Sherloc (09022015). Collection method: clinical testing. Allele origin: germline.

Fulgent Genetics
Classification: Uncertain significance for Intestinal pseudoobstruction, neuronal, chronic idiopathic, X-linked; Heterotopia, periventricular, X-linked dominant; Terminal osseous dysplasia-pigmentary defects syndrome; FG syndrome 2; Oto-palato-digital syndrome, type II; Frontometaphyseal dysplasia 1; Melnick-Needles syndrome; Oto-palato-digital syndrome, type I; Cardiac valvular dysplasia, X-linked. Last evaluated: 2021-09-21. Review status: criteria provided, single submitter. Criteria: ACMG Guidelines, 2015. Collection method: clinical testing. Allele origin: unknown.

Ambry Genetics
Classification: Uncertain significance for Familial thoracic aortic aneurysm and aortic dissection. Last evaluated: 2016-11-10. Review status: criteria provided, single submitter. Criteria: Ambry Variant Classification Scheme 2023. Collection method: clinical testing. Allele origin: germline.
Comment: The p.R340H variant (also known as c.1019G>A), located in coding exon 6 of the FLNA gene, results from a G to A substitution at nucleotide position 1019. The arginine at codon 340 is replaced by histidine, an amino acid with highly similar properties. This variant was not reported in population based cohorts in the following databases: Database of Single Nucleotide Polymorphisms (dbSNP), NHLBI Exome Sequencing Project (ESP), and 1000 Genomes Project. In the ESP, this variant was not observed in 6196 samples with coverage at this position. This amino acid position is well conserved in available vertebrate species. In addition, this alteration is predicted to be tolerated by in silico analysis. Since supporting evidence is limited at this time, the clinical significance of this alteration remains unclear.

NM_001110556.2(FLNA):c.1019G>A (p.Arg340His)

Gene: FLNA (filamin A; minus strand). Cytogenetic location: Xq28.
Variant type: single nucleotide variant.
Coding change: c.1019G>A on transcript NM_001110556.2 (MANE Select); coding-DNA position 1019, G replaced by A.
Protein change: p.Arg340His; replaces arginine 340 with histidine.
Molecular consequence: missense variant.
Genome position (GRCh38, 1-based): chrX:154,366,608, C>T on the plus strand (G>A on the coding strand, the complement: FLNA is on the minus strand). VCF-style: chrX-154366608-C-T. GRCh37 (hg19) VCF-style: chrX-153594976-C-T.
Other names: c.1019G>A, p.Arg340His (NM_001456.4); short protein forms R340H.
Identifiers: ClinVar variation 588444 (VCV000588444.9), dbSNP rs371368679, ClinGen allele CA10561295.